The following is an entry in ClinVar:

ClinVar aggregate classification (germline): Uncertain significance (1 of 4 stars; one submission).

Submission:

GeneDx
Classification: Uncertain significance. Last evaluated: 2024-09-10. Review status: criteria provided, single submitter. Criteria: GeneDx Variant Classification Process June 2021. Collection method: clinical testing. Allele origin: germline. Affected: yes.
Comment: Has not been previously published as pathogenic or benign to our knowledge; Not observed at significant frequency in large population cohorts (gnomAD); Not located in one of the three hot-spot regions of the RYR2 gene, where the majority of pathogenic missense variants occur (PMID: 19926015); In silico analysis supports that this missense variant has a deleterious effect on protein structure/function; This variant is associated with the following publications: (PMID: 19926015)

NM_001035.3(RYR2):c.2684T>C (p.Met895Thr)

Gene: RYR2 (ryanodine receptor 2; plus strand). Cytogenetic location: 1q43.
Variant type: single nucleotide variant.
Coding change: c.2684T>C on transcript NM_001035.3 (MANE Select); coding-DNA position 2684, T replaced by C.
Protein change: p.Met895Thr; replaces methionine 895 with threonine.
Molecular consequence: missense variant.
Genome position (GRCh38, 1-based): chr1:237,506,780, T>C. VCF-style: chr1-237506780-T-C. GRCh37 (hg19) VCF-style: chr1-237670080-T-C.
Other names: short protein forms M895T.
Identifiers: ClinVar variation 3767803 (VCV003767803.1).
Genomic context (GRCh38, chr1:237,506,780, plus strand): 5'-CTCCTCATCTAGAAAGAATAAGAGAAAAACTGGCAGAGAATATCCATGAACTCTGGGTTA[T>C]GAATAAAATTGAGCTTGGCTGGCAGTATGGTCCGGTATGTAATTTTGAAATTTATTTTCA-3'
Protein context (NP_001026.2, residues 885-905): LAENIHELWV[Met895Thr]NKIELGWQYG